The following is an entry in ClinVar:

ClinVar aggregate classification (germline): Uncertain significance (1 of 4 stars; one submission).

Conditions:
Bethlem myopathy 1A. Also called: Bethlem Muscular Dystrophy; Bethlem myopathy 1; MYOPATHY, BENIGN CONGENITAL, WITH CONTRACTURES. Identifiers: Orphanet 610, MedGen CN029274, MONDO:0024530, OMIM 158810.

Submission:

Labcorp Genetics (formerly Invitae), Labcorp
Classification: Uncertain significance for Bethlem myopathy 1A. Last evaluated: 2025-11-24. Review status: criteria provided, single submitter. Criteria: Invitae Variant Classification Sherloc (09022015). Collection method: clinical testing. Allele origin: germline.
Comment: This variant, c.520_555del, results in the deletion of 12 amino acid(s) of the COL6A2 protein (p.Lys174_Ile185del), but otherwise preserves the integrity of the reading frame. This variant is not present in population databases (gnomAD no frequency). This variant has not been reported in the literature in individuals affected with COL6A2-related conditions. ClinVar contains an entry for this variant (Variation ID: 2133060). Experimental studies and prediction algorithms are not available or were not evaluated, and the functional significance of this variant is currently unknown. In summary, the available evidence is currently insufficient to determine the role of this variant in disease. Therefore, it has been classified as a Variant of Uncertain Significance.

NM_001849.4(COL6A2):c.520_555del (p.Lys174_Ile185del)

Gene: COL6A2 (collagen type VI alpha 2 chain; plus strand). Cytogenetic location: 21q22.3.
Variant type: Deletion.
Coding change: c.520_555del on transcript NM_001849.4 (MANE Select); coding-DNA positions 520 to 555, 36 bases deleted.
Protein change: p.Lys174_Ile185del.
Molecular consequence: inframe deletion.
Genome position (GRCh38, 1-based): chr21:46,112,383-46,112,418, 36 bases deleted; deleting any 36 consecutive bases within chr21:46,112,376-46,112,418 gives the same sequence; the c. name uses the placement nearest the transcript's 3' end. GRCh37 (hg19): chr21:47,532,297-47,532,332.
Other names: c.520_555del, p.Lys174_Ile185del (NM_058174.3, NM_058175.3).
Identifiers: ClinVar variation 2133060 (VCV002133060.4), dbSNP rs2516990045, ClinGen allele CA2580098969.